The following is an entry in ClinVar:

ClinVar aggregate classification (germline): Uncertain significance (1 of 4 stars; one submission).

Allele frequency attached by ClinVar (database versions not stated): gnomAD 0.00001.
gnomAD v4.1: 3 of 1,612,564 alleles (0.00019%); highest among the groups gnomAD compares: Middle Eastern, 0.016%; no homozygotes.

Submission:

GeneDx
Classification: Uncertain significance. Last evaluated: 2019-10-06. Review status: criteria provided, single submitter. Criteria: GeneDx Variant Classification Process June 2021. Collection method: clinical testing. Allele origin: germline. Affected: yes.
Comment: Not observed in large population cohorts (Lek et al., 2016); In silico analysis, which includes protein predictors and evolutionary conservation, supports a deleterious effect; Has not been previously published as pathogenic or benign to our knowledge

NM_170606.3(KMT2C):c.9220G>A (p.Ala3074Thr)

Gene: KMT2C (lysine methyltransferase 2C; minus strand). Cytogenetic location: 7q36.1.
Variant type: single nucleotide variant.
Coding change: c.9220G>A on transcript NM_170606.3 (MANE Select); coding-DNA position 9220, G replaced by A.
Protein change: p.Ala3074Thr; replaces alanine 3074 with threonine.
Molecular consequence: missense variant.
Genome position (GRCh38, 1-based): chr7:152,176,233, C>T on the plus strand (G>A on the coding strand, the complement: KMT2C is on the minus strand). VCF-style: chr7-152176233-C-T. GRCh37 (hg19) VCF-style: chr7-151873318-C-T.
Other names: short protein forms A3074T.
Identifiers: ClinVar variation 1308998 (VCV001308998.2), dbSNP rs2093205252, ClinGen allele CA370075971.